The following is an entry in ClinVar:

NM_181507.2(HPS5):c.85C>A (p.Arg29=)

Gene: HPS5 (HPS5 biogenesis of lysosomal organelles complex 2 subunit 2; minus strand). Cytogenetic location: 11p15.1.
Variant type: single nucleotide variant.
Coding change: c.85C>A on transcript NM_181507.2 (MANE Select); coding-DNA position 85, C replaced by A.
Protein change: p.Arg29=; no amino-acid change (arginine 29 retained).
Molecular consequence: synonymous variant. On other transcripts: 5 prime UTR variant (3), intron variant (14).
Genome position (GRCh38, 1-based): chr11:18,317,774, G>T on the plus strand (C>A on the coding strand, the complement: HPS5 is on the minus strand). VCF-style: chr11-18317774-G-T. GRCh37 (hg19) VCF-style: chr11-18339321-G-T.
Other names: c.85C>A, p.Arg29= (NM_001440902.1, NM_001440903.1, NM_001440904.1 and 9 more transcripts); c.-107C>A (NM_001440907.1, NM_001440908.1, NM_001440918.1); c.-124+4359C>A (NM_001440929.1); c.-235+4359C>A (NM_181508.2, NM_001440921.1); c.-124+4303C>A (NM_001440926.1); c.-235+4303C>A (NM_001440925.1, NM_001440920.1); c.-124+4172C>A (NM_001440928.1, NM_001440922.1); c.-235+4172C>A (NM_001440927.1, NM_001440930.1, NM_007216.4 and 2 more transcripts); and 1 more.
Identifiers: ClinVar variation 163679 (VCV000163679.18), dbSNP rs138638048, ClinGen allele CA176337.

ClinVar aggregate classification (germline): Likely benign. Review status: criteria provided, multiple submitters, no conflicts (2 of 4 stars). 4 submissions from 4 submitters: Likely benign (4). Last evaluated 2026-01-24.

Allele frequency attached by ClinVar (database versions not stated): 1000 Genomes Project 30x 0.00016; 1000 Genomes Project 0.00020; TOPMed 0.00025; gnomAD 0.00029; ESP Exome Variant Server 0.00039.
gnomAD v4.1: 88 of 1,613,732 alleles (0.0055%); highest among the groups gnomAD compares: African/African-American, 0.1%; no homozygotes.

Submissions (4):

Labcorp Genetics (formerly Invitae), Labcorp
Classification: Likely benign. Last evaluated: 2026-01-24. Review status: criteria provided, single submitter. Criteria: Invitae Variant Classification Sherloc (09022015). Collection method: clinical testing. Allele origin: germline.

Blueprint Genetics
Classification: Likely benign. Last evaluated: 2024-07-11. Review status: criteria provided, single submitter. Criteria: ACMG Guidelines, 2015. Collection method: clinical testing. Allele origin: germline.

Genetic Services Laboratory, University of Chicago
Classification: Likely benign. Last evaluated: 2018-05-31. Review status: criteria provided, single submitter. Criteria: ACMG Guidelines, 2015. Collection method: clinical testing. Allele origin: germline. Affected: no.

Laboratory for Molecular Medicine, Mass General Brigham Personalized Medicine
Classification: Likely benign. Last evaluated: 2013-02-21. Review status: criteria provided, single submitter. Criteria: LMM Criteria. Collection method: clinical testing. Allele origin: germline. Observed: 1 variant allele.
Comment: Arg29Arg in exon 2 of HPS5: This variant is not expected to have clinical signif icance because it does not alter an amino acid residue and is not located within the splice consensus sequence. It has been identified in 0.1% (5/4398) of Afric an American chromosomes from a broad population by the NHLBI Exome Sequencing Pr oject (dbSNP rs138638048).